The following is an entry in ClinVar:

NM_000059.4(BRCA2):c.6901G>C (p.Glu2301Gln)

Gene: BRCA2 (BRCA2 DNA repair associated; plus strand). Cytogenetic location: 13q13.1.
Variant type: single nucleotide variant.
Coding change: c.6901G>C on transcript NM_000059.4 (MANE Select); coding-DNA position 6901, G replaced by C.
Protein change: p.Glu2301Gln; replaces glutamic acid 2301 with glutamine.
Molecular consequence: missense variant.
Genome position (GRCh38, 1-based): chr13:32,344,617, G>C. VCF-style: chr13-32344617-G-C. GRCh37 (hg19) VCF-style: chr13-32918754-G-C.
Other names: short protein forms E2301Q.
Identifiers: ClinVar variation 236895 (VCV000236895.9), dbSNP rs80358915, ClinGen allele CA10583123.

ClinVar aggregate classification (germline): Uncertain significance (1 of 4 stars; one submission).

Conditions:
Hereditary breast ovarian cancer syndrome. Also called: BRCA1- and BRCA2-Associated Hereditary Breast and Ovarian Cancer; Hereditary breast and ovarian cancer syndrome; Hereditary breast and ovarian cancer; Hereditary breast and ovarian cancer syndrome (HBOC); Breast and ovarian cancer; Hereditary breast and/or ovarian cancer syndrome. Identifiers: Orphanet 145, MedGen C0677776, MeSH D061325, MONDO:0003582. Disease mechanism: loss of function.

Submission:

Labcorp Genetics (formerly Invitae), Labcorp
Classification: Uncertain significance for Hereditary breast ovarian cancer syndrome. Last evaluated: 2024-07-21. Review status: criteria provided, single submitter. Criteria: Invitae Variant Classification Sherloc (09022015). Collection method: clinical testing. Allele origin: germline.
Comment: This sequence change replaces glutamic acid, which is acidic and polar, with glutamine, which is neutral and polar, at codon 2301 of the BRCA2 protein (p.Glu2301Gln). This variant is not present in population databases (gnomAD no frequency). This variant has not been reported in the literature in individuals affected with BRCA2-related conditions. ClinVar contains an entry for this variant (Variation ID: 236895). Advanced modeling of protein sequence and biophysical properties (such as structural, functional, and spatial information, amino acid conservation, physicochemical variation, residue mobility, and thermodynamic stability) performed at Invitae indicates that this missense variant is not expected to disrupt BRCA2 protein function with a negative predictive value of 95%. Algorithms developed to predict the effect of sequence changes on RNA splicing suggest that this variant may disrupt the consensus splice site. In summary, the available evidence is currently insufficient to determine the role of this variant in disease. Therefore, it has been classified as a Variant of Uncertain Significance.